The following is an entry in ClinVar:

ClinVar aggregate classification (germline): Pathogenic/Likely pathogenic. Review status: criteria provided, multiple submitters, no conflicts (2 of 4 stars). 2 submissions from 2 submitters: Pathogenic (1); Likely pathogenic (1). Last evaluated 2025-04-23.

Conditions:
NEB-related disorder. Also called: NEB-Related Disorders; NEB-related condition.
Nemaline myopathy 2 (NEM2). Also called: Nemaline myopathy 2, autosomal recessive. Identifiers: MedGen C1850569, MONDO:0009725, OMIM 256030.

Submissions (2):

Myriad Genetics, Inc.
Classification: Pathogenic for Nemaline myopathy 2. Last evaluated: 2025-04-23. Review status: criteria provided, single submitter. Criteria: Myriad Autosomal Dominant, Autosomal Recessive and X-Linked Classification Criteria (2023). Collection method: clinical testing. Allele origin: unknown.
Comment: NM_001271208.1(NEB):c.9758dupA(K3254Efs*8) is expected to be pathogenic in the context of NEB-related nemaline myopathy. This variant is predicted to lead to an abnormal or absent protein product due to the creation of a premature termination codon in NEB, a gene where loss-of-function variants are known to be pathogenic. Please note: this variant was assessed in the context of healthy population screening.

PreventionGenetics, part of Exact Sciences
Classification: Likely pathogenic for NEB-related condition. Last evaluated: 2023-05-26. Review status: criteria provided, single submitter. Criteria: ACMG Guidelines, 2015. Collection method: clinical testing. Allele origin: germline.
Comment: The NEB c.9758dupA variant is predicted to result in a frameshift and premature protein termination (p.Lys3254Glufs*8). To our knowledge, this variant has not been reported in the literature or in a large population database, indicating this variant is rare. Frameshift variants in NEB are expected to be pathogenic. This variant is interpreted as likely pathogenic.

NM_001164508.2(NEB):c.9758dup (p.Lys3254fs)

Gene: NEB (nebulin; minus strand). Cytogenetic location: 2q23.3.
Variant type: Duplication.
Coding change: c.9758dup on transcript NM_001164508.2 (MANE Select); coding-DNA position 9758, one base duplicated (A; older notation c.9758dupA).
Protein change: p.Lys3254fs; shifts the reading frame from lysine 3254.
Molecular consequence: frameshift variant.
Genome position (GRCh38, 1-based): chr2:151,629,612, T duplicated on the plus strand (A on the coding strand, the reverse complement: NEB is on the minus strand); the first of 6 consecutive T bases (chr2:151,629,612-151,629,617); duplicating any one gives the same sequence. VCF-style (leftmost placement, unchanged base first): chr2-151629611-C-CT. GRCh37 (hg19) VCF-style: chr2-152486125-C-CT.
Other names: c.9758dup, p.Lys3254fs (NM_001271208.2, NM_001164507.2); c.9029dup, p.Lys3011fs (NM_004543.5); c.9758dupA (NM_001271208.1); short protein forms K3011fs, K3254fs.
Identifiers: ClinVar variation 2632973 (VCV002632973.2), dbSNP rs2098615734, ClinGen allele CA1037877786.
Genomic context (GRCh38, chr2:151,629,611, plus strand): 5'-GTCCCTGGAGGCCTTGGCAGCCACGATGGGGATGGCGTCACTTCGCAAGTCGTAGCCTTT[C>CT]TTTTTTGCTTCTTCATTGGCAAGTTTGTATAGAGTCTATGAAAAGAAAGGCAAAGAGTTA-3'